The following is an entry in ClinVar:

NM_001367561.1(DOCK7):c.1312A>C (p.Asn438His)

Gene: DOCK7 (dedicator of cytokinesis 7; minus strand). Cytogenetic location: 1p31.3.
Variant type: single nucleotide variant.
Coding change: c.1312A>C on transcript NM_001367561.1 (MANE Select); coding-DNA position 1312, A replaced by C.
Protein change: p.Asn438His; replaces asparagine 438 with histidine.
Molecular consequence: missense variant.
Genome position (GRCh38, 1-based): chr1:62,625,372, T>G on the plus strand (A>C on the coding strand, the complement: DOCK7 is on the minus strand). VCF-style: chr1-62625372-T-G. GRCh37 (hg19) VCF-style: chr1-63091043-T-G.
Other names: c.1312A>C, p.Asn438His (NM_001271999.2, NM_001272000.2, NM_001272001.2 and 3 more transcripts); short protein forms N438H.
Identifiers: ClinVar variation 2087061 (VCV002087061.4), dbSNP rs1312971431, ClinGen allele CA340617219.

ClinVar aggregate classification (germline): Uncertain significance (1 of 4 stars; one submission).

Conditions:
Developmental and epileptic encephalopathy, 23 (DEE23). Also called: Epileptic encephalopathy, early infantile, 23. Identifiers: Orphanet 411986, MedGen C4014492, MONDO:0014371, OMIM 615859.

Submission:

Labcorp Genetics (formerly Invitae), Labcorp
Classification: Uncertain significance for Developmental and epileptic encephalopathy, 23. Last evaluated: 2022-08-23. Review status: criteria provided, single submitter. Criteria: Invitae Variant Classification Sherloc (09022015). Collection method: clinical testing. Allele origin: germline.
Comment: In summary, the available evidence is currently insufficient to determine the role of this variant in disease. Therefore, it has been classified as a Variant of Uncertain Significance. Algorithms developed to predict the effect of missense changes on protein structure and function are either unavailable or do not agree on the potential impact of this missense change (SIFT: "Tolerated"; PolyPhen-2: "Possibly Damaging"; Align-GVGD: "Class C0"). This variant has not been reported in the literature in individuals affected with DOCK7-related conditions. This variant is not present in population databases (gnomAD no frequency). This sequence change replaces asparagine, which is neutral and polar, with histidine, which is basic and polar, at codon 438 of the DOCK7 protein (p.Asn438His).